The following is an entry in ClinVar:

ClinVar aggregate classification (germline): Uncertain significance. Review status: criteria provided, multiple submitters, no conflicts (2 of 4 stars). 3 submissions from 3 submitters: Uncertain significance (3). Last evaluated 2023-04-11.

Conditions:
Pyridoxine-dependent epilepsy (EPEO4). Also called: Pyridoxine-Dependent Seizures; Pyridoxine-Dependent Epilepsy - ALDH7A1; EPILEPSY, EARLY-ONSET, 4, VITAMIN B6-DEPENDENT; PYRIDOXINE DEPENDENCY WITH SEIZURES. Identifiers: Orphanet 3006, MedGen C1849508, MONDO:0009945, OMIM 266100. Disease mechanism: loss of function.

Allele frequency attached by ClinVar (database versions not stated): ExAC 0.00002; TOPMed 0.00001; gnomAD exomes 0.00002 and 0.00001; gnomAD 0.00001.
gnomAD v4.1: 11 of 1,614,002 alleles (0.00068%); highest among the groups gnomAD compares: East Asian, 0.0022%; no homozygotes.

Submissions (3):

Genome-Nilou Lab
Classification: Uncertain significance for Pyridoxine-dependent epilepsy. Last evaluated: 2023-04-11. Review status: criteria provided, single submitter. Criteria: ACMG Guidelines, 2015. Collection method: clinical testing. Allele origin: germline. Affected: no.

Labcorp Genetics (formerly Invitae), Labcorp
Classification: Uncertain significance for Pyridoxine-dependent epilepsy. Last evaluated: 2021-09-01. Review status: criteria provided, single submitter. Criteria: Invitae Variant Classification Sherloc (09022015). Collection method: clinical testing. Allele origin: germline.
Comment: This sequence change replaces alanine with threonine at codon 193 of the ALDH7A1 protein (p.Ala193Thr). The alanine residue is highly conserved and there is a small physicochemical difference between alanine and threonine. This variant is present in population databases (rs773503933, ExAC 0.004%). This variant has not been reported in the literature in individuals affected with ALDH7A1-related conditions. ClinVar contains an entry for this variant (Variation ID: 198127). Algorithms developed to predict the effect of missense changes on protein structure and function are either unavailable or do not agree on the potential impact of this missense change (SIFT: "Deleterious"; PolyPhen-2: "Probably Damaging"; Align-GVGD: "Class C0"). In summary, the available evidence is currently insufficient to determine the role of this variant in disease. Therefore, it has been classified as a Variant of Uncertain Significance.

Eurofins Ntd Llc (ga)
Classification: Uncertain significance. Last evaluated: 2015-03-20. Review status: criteria provided, single submitter. Criteria: EGL Classification Definitions 2015. Collection method: clinical testing. Allele origin: germline. Observed: 1 variant allele, 1 heterozygote.

NM_001182.5(ALDH7A1):c.577G>A (p.Ala193Thr)

Gene: ALDH7A1 (aldehyde dehydrogenase 7 family member A1; minus strand). Cytogenetic location: 5q23.2.
Variant type: single nucleotide variant.
Coding change: c.577G>A on transcript NM_001182.5 (MANE Select); coding-DNA position 577, G replaced by A.
Protein change: p.Ala193Thr; replaces alanine 193 with threonine.
Molecular consequence: missense variant.
Genome position (GRCh38, 1-based): chr5:126,577,152, C>T on the plus strand (G>A on the coding strand, the complement: ALDH7A1 is on the minus strand). VCF-style: chr5-126577152-C-T. GRCh37 (hg19) VCF-style: chr5-125912844-C-T.
Other names: c.493G>A, p.Ala165Thr (NM_001201377.2); c.577G>A, p.Ala193Thr (NM_001202404.2); short protein forms A193T, A165T.
Identifiers: ClinVar variation 198127 (VCV000198127.11), dbSNP rs773503933, ClinGen allele CA246624.